The following is an entry in ClinVar:

ClinVar aggregate classification (germline): Pathogenic. Review status: criteria provided, multiple submitters, no conflicts (2 of 4 stars). 2 submissions from 2 submitters: Pathogenic (2). Last evaluated 2022-12-21.

Conditions:
Hereditary cancer-predisposing syndrome. Also called: Neoplastic Syndromes, Hereditary; Hereditary Cancer Syndrome; Tumor predisposition; Hereditary neoplastic syndrome. Identifiers: Orphanet 140162, MedGen C0027672, MeSH D009386, MONDO:0015356.
Cardiovascular phenotype. Identifiers: MedGen CN230736.
Neurofibromatosis, type 1 (NF1). Also called: NEUROFIBROMATOSIS, TYPE I, SOMATIC; VON RECKLINGHAUSEN DISEASE; Peripheral type neurofibromatosis; Neurofibromatosis, type I. Identifiers: Orphanet 636, MedGen C0027831, MONDO:0018975, OMIM 162200. Disease mechanism: loss of function.

Submissions (2):

Ambry Genetics
Classification: Pathogenic for Cardiovascular phenotype; Hereditary cancer-predisposing syndrome. Last evaluated: 2022-12-21. Review status: criteria provided, single submitter. Criteria: Ambry Variant Classification Scheme 2023. Collection method: clinical testing. Allele origin: germline.
Comment: The c.2906delA pathogenic mutation, located in coding exon 22 of the NF1 gene, results from a deletion of one nucleotide at nucleotide position 2906, causing a translational frameshift with a predicted alternate stop codon (p.K969Rfs*4). This variant is considered to be rare based on population cohorts in the Genome Aggregation Database (gnomAD). This alteration is expected to result in loss of function by premature protein truncation or nonsense-mediated mRNA decay. As such, this alteration is interpreted as a disease-causing mutation.

Labcorp Genetics (formerly Invitae), Labcorp
Classification: Pathogenic for Neurofibromatosis, type 1. Last evaluated: 2021-12-23. Review status: criteria provided, single submitter. Criteria: Invitae Variant Classification Sherloc (09022015). Collection method: clinical testing. Allele origin: germline.
Comment: This sequence change creates a premature translational stop signal (p.Lys969Argfs*4) in the NF1 gene. It is expected to result in an absent or disrupted protein product. Loss-of-function variants in NF1 are known to be pathogenic (PMID: 10712197, 23913538). This variant is not present in population databases (gnomAD no frequency). This variant has not been reported in the literature in individuals affected with NF1-related conditions. For these reasons, this variant has been classified as Pathogenic.

Literature cited by the submitters: PubMed 10712197 (cited by Labcorp Genetics (formerly Invitae), Labcorp); PubMed 23913538 (cited by Labcorp Genetics (formerly Invitae), Labcorp).

NM_001042492.3(NF1):c.2906del (p.Lys969fs)

Gene: NF1 (neurofibromin 1; plus strand). Cytogenetic location: 17q11.2.
Variant type: Deletion.
Coding change: c.2906del on transcript NM_001042492.3 (MANE Select); coding-DNA position 2906, one base deleted (A; older notation c.2906delA).
Protein change: p.Lys969fs; shifts the reading frame from lysine 969.
Molecular consequence: frameshift variant.
Genome position (GRCh38, 1-based): chr17:31,229,890, A deleted; the last of 2 consecutive A bases (chr17:31,229,889-31,229,890); deleting either gives the same sequence. VCF-style (leftmost placement, unchanged base first): chr17-31229888-GA-G. GRCh37 (hg19) VCF-style: chr17-29556906-GA-G.
Other names: c.2906delA (NM_000267.3); c.2906delA, p.Lys969Argfs (NM_000267.4); short protein forms K969fs.
Identifiers: ClinVar variation 2054823 (VCV002054823.6), dbSNP rs2508197247, ClinGen allele CA2580093416.